The following is an entry in ClinVar:

ClinVar aggregate classification (germline): Uncertain significance. Review status: criteria provided, multiple submitters, no conflicts (2 of 4 stars). 2 submissions from 2 submitters: Uncertain significance (2). Last evaluated 2021-11-29.

Allele frequency attached by ClinVar (database versions not stated): gnomAD exomes below 0.00001; TOPMed below 0.00001.
gnomAD v4.1: 2 of 1,598,828 alleles (0.00013%); highest among the groups gnomAD compares: Non-Finnish European, 0.00017%; no homozygotes.

Submissions (2):

Labcorp Genetics (formerly Invitae), Labcorp
Classification: Uncertain significance. Last evaluated: 2021-11-29. Review status: criteria provided, single submitter. Criteria: Invitae Variant Classification Sherloc (09022015). Collection method: clinical testing. Allele origin: germline.
Comment: In summary, the available evidence is currently insufficient to determine the role of this variant in disease. Therefore, it has been classified as a Variant of Uncertain Significance. Algorithms developed to predict the effect of missense changes on protein structure and function are either unavailable or do not agree on the potential impact of this missense change (SIFT: "Deleterious"; PolyPhen-2: "Probably Damaging"; Align-GVGD: "Class C0"). This sequence change replaces arginine, which is basic and polar, with glutamine, which is neutral and polar, at codon 290 of the GATA5 protein (p.Arg290Gln). This variant has not been reported in the literature in individuals affected with GATA5-related conditions. The frequency data for this variant in the population databases is considered unreliable, as metrics indicate poor data quality at this position in the gnomAD database.

Blueprint Genetics
Classification: Uncertain significance. Last evaluated: 2020-05-14. Review status: criteria provided, single submitter. Criteria: ACMG Guidelines, 2015. Collection method: clinical testing. Allele origin: germline.

NM_080473.5(GATA5):c.869G>A (p.Arg290Gln)

Gene: GATA5 (GATA binding protein 5; minus strand). Cytogenetic location: 20q13.33.
Variant type: single nucleotide variant.
Coding change: c.869G>A on transcript NM_080473.5 (MANE Select); coding-DNA position 869, G replaced by A.
Protein change: p.Arg290Gln; replaces arginine 290 with glutamine.
Molecular consequence: missense variant.
Genome position (GRCh38, 1-based): chr20:62,465,878, C>T on the plus strand (G>A on the coding strand, the complement: GATA5 is on the minus strand). VCF-style: chr20-62465878-C-T. GRCh37 (hg19) VCF-style: chr20-61040934-C-T.
Other names: short protein forms R290Q.
Identifiers: ClinVar variation 1503307 (VCV001503307.7), dbSNP rs782317630, ClinGen allele CA9946146.